The following is an entry in ClinVar:

ClinVar aggregate classification (germline): Benign. Review status: criteria provided, multiple submitters, no conflicts (2 of 4 stars). 2 submissions from 2 submitters: Benign (2). Last evaluated 2018-06-19.

Allele frequency attached by ClinVar (database versions not stated): gnomAD exomes 0.07217; gnomAD 0.21773 and 0.22833; TOPMed 0.24400; 1000 Genomes Project 0.24927; 1000 Genomes Project 30x 0.25744.
gnomAD v4.1: 46,881 of 418,037 alleles (11%); highest among the groups gnomAD compares: African/African-American, 66%; 7,087 homozygotes.

Submissions (2):

GeneDx
Classification: Benign. Last evaluated: 2018-06-19. Review status: criteria provided, single submitter. Criteria: GeneDx Variant Classification (06012015). Collection method: clinical testing. Allele origin: germline. Affected: yes.
Comment: This variant is considered likely benign or benign based on one or more of the following criteria: it is a conservative change, it occurs at a poorly conserved position in the protein, it is predicted to be benign by multiple in silico algorithms, and/or has population frequency not consistent with disease.

Breakthrough Genomics
Classification: Benign. Review status: criteria provided, single submitter. Criteria: ACMG Guidelines, 2015. Collection method: not provided. Allele origin: germline. Inheritance: X-linked inheritance. Affected: yes.

NM_000284.4(PDHA1):c.419-249T>C

Gene: PDHA1 (pyruvate dehydrogenase E1 subunit alpha 1; plus strand). Cytogenetic location: Xp22.12.
Variant type: single nucleotide variant.
Coding change: c.419-249T>C on transcript NM_000284.4 (MANE Select); 249 bases into the intron before coding-DNA position 419, T replaced by C.
Molecular consequence: intron variant.
Genome position (GRCh38, 1-based): chrX:19,352,833, T>C. VCF-style: chrX-19352833-T-C. GRCh37 (hg19) VCF-style: chrX-19370951-T-C.
Other names: c.533-249T>C (NM_001173454.2); c.440-249T>C (NM_001173455.2); c.419-249T>C (NM_001173456.2).
Identifiers: ClinVar variation 683396 (VCV000683396.2), dbSNP rs5955756, ClinGen allele CA327025291.